The following is an entry in ClinVar:

ClinVar aggregate classification (germline): Conflicting classifications of pathogenicity. Review status: criteria provided, conflicting classifications (1 of 4 stars). 7 submissions from 6 submitters: Uncertain significance (5); Likely benign (2). Last evaluated 2025-05-06.

Conditions:
Hereditary cancer-predisposing syndrome. Also called: Tumor predisposition; Hereditary Cancer Syndrome; Hereditary neoplastic syndrome; Neoplastic Syndromes, Hereditary. Identifiers: Orphanet 140162, MedGen C0027672, MeSH D009386, MONDO:0015356.
Familial cancer of breast. Also called: hereditary breast carcinoma; BREAST CANCER, FAMILIAL; Hereditary breast cancer. Identifiers: Orphanet 227535, MedGen C0346153, MONDO:0016419, OMIM 114480. Disease mechanism: loss of function.
Breast-ovarian cancer, familial, susceptibility to, 2 (BROVCA2). Also called: BRCA2 Hereditary Breast and Ovarian Cancer. Identifiers: Orphanet 145, MedGen C2675520, MONDO:0012933, OMIM 612555. Disease mechanism: loss of function.
Hereditary breast ovarian cancer syndrome. Also called: Hereditary breast and ovarian cancer; Breast and ovarian cancer; BRCA1- and BRCA2-Associated Hereditary Breast and Ovarian Cancer; Hereditary breast and ovarian cancer syndrome; Hereditary breast and ovarian cancer syndrome (HBOC); Hereditary breast and/or ovarian cancer syndrome. Identifiers: Orphanet 145, MedGen C0677776, MeSH D061325, MONDO:0003582. Disease mechanism: loss of function.
Fanconi anemia complementation group D1. Also called: BRCA2-Related Fanconi Anemia. Identifiers: Orphanet 319462, MedGen C1838457, MONDO:0011584, OMIM 605724.

Allele frequency attached by ClinVar (database versions not stated): gnomAD exomes below 0.00001; ExAC 0.00001.
gnomAD v4.1: 1 of 1,612,010 alleles (0.000062%); highest among the groups gnomAD compares: Non-Finnish European, 0.000085%; no homozygotes.

Submissions (7):

Labcorp Genetics (formerly Invitae), Labcorp
Classification: Uncertain significance for Hereditary breast ovarian cancer syndrome. Last evaluated: 2025-05-06. Review status: criteria provided, single submitter. Criteria: Invitae Variant Classification Sherloc (09022015). Collection method: clinical testing. Allele origin: germline.
Comment: This sequence change replaces valine, which is neutral and non-polar, with glutamic acid, which is acidic and polar, at codon 1756 of the BRCA2 protein (p.Val1756Glu). This variant is present in population databases (rs770664957, gnomAD 0.0009%). This missense change has been observed in individual(s) with breast and/or ovarian cancer (PMID: 32854451, 34178674). ClinVar contains an entry for this variant (Variation ID: 233784). Invitae Evidence Modeling of protein sequence and biophysical properties (such as structural, functional, and spatial information, amino acid conservation, physicochemical variation, residue mobility, and thermodynamic stability) indicates that this missense variant is not expected to disrupt BRCA2 protein function with a negative predictive value of 95%. In summary, the available evidence is currently insufficient to determine the role of this variant in disease. Therefore, it has been classified as a Variant of Uncertain Significance.

Ambry Genetics
Classification: Likely benign for Hereditary cancer-predisposing syndrome. Last evaluated: 2025-05-01. Review status: criteria provided, single submitter. Criteria: Ambry Variant Classification Scheme 2023. Collection method: clinical testing. Allele origin: germline.

Department of Pathology and Laboratory Medicine, Sinai Health System
Classification: Uncertain significance for Familial cancer of breast; Breast-ovarian cancer, familial, susceptibility to, 2. Last evaluated: 2024-05-06. Review status: criteria provided, single submitter. Criteria: ACMG Guidelines, 2015. Collection method: clinical testing. Allele origin: germline. Affected: yes.

University of Washington Department of Laboratory Medicine, University of Washington
Classification: Likely benign for Hereditary cancer-predisposing syndrome. Last evaluated: 2023-03-23. Review status: criteria provided, single submitter. Criteria: Dines et al. (Genet Med. 2020). Collection method: curation. Allele origin: germline.
Comment: Missense variant in a coldspot region where missense variants are very unlikely to be pathogenic (PMID:31911673).

BRCA2 exon 11 coldspot. Reclassification based on statistical prior probability.

Quest Diagnostics Nichols Institute San Juan Capistrano
Classification: Uncertain significance. Last evaluated: 2019-10-01. Review status: criteria provided, single submitter. Criteria: Quest Diagnostics criteria. Collection method: clinical testing. Allele origin: unknown.

Illumina Laboratory Services, Illumina
Classification: Uncertain significance for Breast-ovarian cancer, familial, susceptibility to, 2. Last evaluated: 2018-01-17. Review status: criteria provided, single submitter. Criteria: ICSL Variant Classification Criteria 13 December 2019. Collection method: clinical testing. Allele origin: germline.

Illumina Laboratory Services, Illumina
Classification: Uncertain significance for Fanconi anemia complementation group D1. Last evaluated: 2018-01-17. Review status: criteria provided, single submitter. Criteria: ICSL Variant Classification Criteria 13 December 2019. Collection method: clinical testing. Allele origin: germline.

Literature cited by the submitters: PubMed 32854451 (cited by Labcorp Genetics (formerly Invitae), Labcorp and Ambry Genetics); PubMed 34178674 (cited by Labcorp Genetics (formerly Invitae), Labcorp).

NM_000059.4(BRCA2):c.5267T>A (p.Val1756Glu)

Gene: BRCA2 (BRCA2 DNA repair associated; plus strand). Cytogenetic location: 13q13.1.
Variant type: single nucleotide variant.
Coding change: c.5267T>A on transcript NM_000059.4 (MANE Select); coding-DNA position 5267, T replaced by A.
Protein change: p.Val1756Glu; replaces valine 1756 with glutamic acid.
Molecular consequence: missense variant.
Genome position (GRCh38, 1-based): chr13:32,339,622, T>A. VCF-style: chr13-32339622-T-A. GRCh37 (hg19) VCF-style: chr13-32913759-T-A.
Other names: short protein forms V1756E.
Identifiers: ClinVar variation 233784 (VCV000233784.22), dbSNP rs770664957, ClinGen allele CA6940863.
Genomic context (GRCh38, chr13:32,339,622, plus strand): 5'-AAGATACTTATTTAAGTAACAGTAGCATGTCTAACAGCTATTCCTACCATTCTGATGAGG[T>A]ATATAATGATTCAGGATATCTCTCAAAAAATAAACTTGATTCTGGTATTGAGCCAGTATT-3'
Protein context (NP_000050.3, residues 1746-1766): SNSYSYHSDE[Val1756Glu]YNDSGYLSKN